The following is an entry in ClinVar:

NM_018013.4(SOBP):c.2133G>A (p.Pro711=)

Gene: SOBP (sine oculis binding protein homolog; plus strand). Cytogenetic location: 6q21.
Variant type: single nucleotide variant.
Coding change: c.2133G>A on transcript NM_018013.4 (MANE Select); coding-DNA position 2133, G replaced by A.
Protein change: p.Pro711=; no amino-acid change (proline 711 retained).
Molecular consequence: synonymous variant.
Genome position (GRCh38, 1-based): chr6:107,634,977, G>A. VCF-style: chr6-107634977-G-A. GRCh37 (hg19) VCF-style: chr6-107956181-G-A.
Identifiers: ClinVar variation 755735 (VCV000755735.28), dbSNP rs1433100286, ClinGen allele CA451582195.

ClinVar aggregate classification (germline): Likely benign. Review status: criteria provided, multiple submitters, no conflicts (2 of 4 stars). 2 submissions from 2 submitters: Likely benign (2). Last evaluated 2024-09-01.

Allele frequency attached by ClinVar (database versions not stated): gnomAD 0.00004; TOPMed 0.00017; gnomAD exomes 0.00021.

Submissions (2):

CeGaT Center for Human Genetics Tuebingen
Classification: Likely benign. Last evaluated: 2024-09-01. Review status: criteria provided, single submitter. Criteria: CeGaT Center For Human Genetics Tuebingen Variant Classification Criteria Version 2. Collection method: clinical testing. Allele origin: germline. Affected: yes. Observed: 5 variant alleles.
Comment: SOBP: BP4, BP7

Labcorp Genetics (formerly Invitae), Labcorp
Classification: Likely benign. Last evaluated: 2019-12-31. Review status: criteria provided, single submitter. Criteria: Invitae Variant Classification Sherloc (09022015). Collection method: clinical testing. Allele origin: germline.